The following is an entry in ClinVar:

ClinVar aggregate classification (germline): Pathogenic/Likely pathogenic. Review status: criteria provided, multiple submitters, no conflicts (2 of 4 stars). 4 submissions from 4 submitters: Pathogenic (1); Likely pathogenic (2). 1 of the submissions does not count toward it. Last evaluated 2025-08-11.

Conditions:
Duchenne muscular dystrophy (DMD). Also called: MUSCULAR DYSTROPHY, PSEUDOHYPERTROPHIC PROGRESSIVE, DUCHENNE TYPE; Duchenne Muscular Dystrophy (DMD). Identifiers: Orphanet 98896, MedGen C0013264, MONDO:0010679, OMIM 310200.
Elevated circulating creatine kinase activity. Also called: Elevated serum creatine phosphokinase; Elevated creatine kinase; Elevated circulating creatine kinase concentration. Identifiers: MedGen C0241005, HP:0003236.

Submissions (4):

Labcorp Genetics (formerly Invitae), Labcorp
Classification: Likely pathogenic for Duchenne muscular dystrophy. Last evaluated: 2025-08-11. Review status: criteria provided, single submitter. Criteria: Invitae Variant Classification Sherloc (09022015). Collection method: clinical testing. Allele origin: germline.
Comment: This sequence change falls in intron 7 of the DMD gene. It does not directly change the encoded amino acid sequence of the DMD protein. RNA analysis indicates that this variant induces altered splicing and may result in an absent or altered protein product. The frequency data for this variant in the population databases is considered unreliable, as metrics indicate insufficient coverage at this position in the gnomAD database. This variant has been observed in individual(s) with DMD-related conditions (PMID: 28495050, 35165973). ClinVar contains an entry for this variant (Variation ID: 446469). Studies have shown that this variant results in activation of a cryptic splice site, and produces a non-functional protein and/or introduces a premature termination codon (PMID: 28495050). In summary, the currently available evidence indicates that the variant is pathogenic, but additional data are needed to prove that conclusively. Therefore, this variant has been classified as Likely Pathogenic.

Revvity Omics, Revvity
Classification: Likely pathogenic. Last evaluated: 2025-07-16. Review status: criteria provided, single submitter. Criteria: ACMG Guidelines, 2015. Collection method: clinical testing. Allele origin: germline.

Victorian Clinical Genetics Services, Murdoch Childrens Research Institute
Classification: Pathogenic for Duchenne muscular dystrophy. Last evaluated: 2022-03-31. Review status: criteria provided, single submitter. Criteria: ACMG Guidelines, 2015. Collection method: clinical testing. Allele origin: germline. Inheritance: X-linked recessive inheritance. Affected: yes.
Comment: Based on the classification scheme VCGS_Germline_v1.3.4, this variant is classified as Pathogenic. Following criteria are met: 0102 - Loss of function is a known mechanism of disease in this gene and is associated with Duchenne muscular dystrophy (MIM#310200), Becker muscular dystrophy (MIM#300376), and dilated cardiomyopathy 3B (DCM; MIM#302045). (I) 0109 - This gene is associated with X-linked recessive disease. This gene is primarily associated with X-linked recessive disease relating to the muscular dystrophy phenotypes, however it is also associated with X-linked dominant DCM (OMIM, PMID: 26066469). (I) 0210 - Splice site variant proven to affect splicing of the transcript with a known effect on protein sequence. Sequencing of cDNA created from mRNA from a hemizygous individual's muscle tissue, has demonstrated that this variant results in the formation of a cryptic pseudoexon. This insertion causes a shift in the reading frame (p.(Asp217Alafs*2)), and the formation of a protein predicted to undergo nonsense mediated decay (NMD), however some residual wildtype transcript did remain (PMID: 28495050). (SP) 0253 - This variant is hemizygous. (I) 0301 - Variant is absent from gnomAD (both v2 and v3). (SP) 0701 - Other NMD-predicted variants comparable to the one identified in this case have very strong previous evidence for pathogenicity. These variants have been reported as pathogenic, and observed in individuals with Duchenne muscular dystrophy (DMD; DECIPHER). (SP) 0803 - This variant has limited previous evidence of pathogenicity in unrelated individuals. This variant has been observed in a hemizygous individual with milder DMD, and has been classified as likely pathogenic and pathogenic (ClinVar, LOVD, PMID: 28495050). (SP) 0905 - No published segregation evidence has been identified for this variant. (I) 1007 - No published functional evidence has been identified for this variant. (SP) Legend: (SP) - Supporting pathogenic, (I) - Information, (SB) - Supporting benign

Institute of Human Genetics, University of Wuerzburg
Classification: Likely pathogenic for Elevated circulating creatine kinase activity. Review status: no assertion criteria provided. Collection method: clinical testing. Allele origin: unknown. Not counted in ClinVar's aggregate classification.

Literature cited by the submitters: PubMed 28495050 (cited by Labcorp Genetics (formerly Invitae), Labcorp and Victorian Clinical Genetics Services, Murdoch Childrens Research Institute); PubMed 35165973 (cited by Labcorp Genetics (formerly Invitae), Labcorp); PubMed 26066469 (cited by Victorian Clinical Genetics Services, Murdoch Childrens Research Institute).

NM_004006.3(DMD):c.650-39498A>G

Gene: DMD (dystrophin; minus strand). Cytogenetic location: Xp21.1.
Variant type: single nucleotide variant.
Coding change: c.650-39498A>G on transcript NM_004006.3 (MANE Select); 39498 bases into the intron before coding-DNA position 650, A replaced by G.
Molecular consequence: intron variant.
Genome position (GRCh38, 1-based): chrX:32,738,791, T>C on the plus strand (A>G on the coding strand, the complement: DMD is on the minus strand). VCF-style: chrX-32738791-T-C. GRCh37 (hg19) VCF-style: chrX-32756908-T-C.
Other names: c.626-39498A>G (NM_000109.4); c.638-39498A>G (NM_004009.3); c.281-39498A>G (NM_004010.3).
Identifiers: ClinVar variation 446469 (VCV000446469.11), dbSNP rs1556980528, ClinGen allele CA658658956.